The following is an entry in ClinVar:

ClinVar aggregate classification (germline): Uncertain significance (1 of 4 stars; one submission).

Conditions:
GJA8-related disorder. Also called: GJA8-related condition.

Submission:

PreventionGenetics, part of Exact Sciences
Classification: Uncertain significance for GJA8-related condition. Last evaluated: 2022-10-21. Review status: criteria provided, single submitter. Criteria: ACMG Guidelines, 2015. Collection method: clinical testing. Allele origin: germline.
Comment: The GJA8 c.226C>A variant is predicted to result in the amino acid substitution p.Arg76Ser. To our knowledge, this variant has not been reported in the literature or in a large population database, indicating this variant is rare. Of note, other variants impacting the same amino acid (p.Arg76Cys and p.Arg76His) have been reported in patients with cataract (Patient 11 in Reis et. 2013. PubMed ID: 23508780; Family 10 in Rechsteiner et al. 2021. PubMed ID: 34014271; Family 2 in Yu et al. 2016. PubMed ID: 27216975, variant referred to as Cx50R76H). Although we suspect that the c.226C>A (p.Arg76Ser) variant may be pathogenic, at this time, the clinical significance of this variant is uncertain due to the absence of conclusive functional and genetic evidence.

NM_005267.5(GJA8):c.226C>A (p.Arg76Ser)

Gene: GJA8 (gap junction protein alpha 8; plus strand). Cytogenetic location: 1q21.2.
Variant type: single nucleotide variant.
Coding change: c.226C>A on transcript NM_005267.5 (MANE Select); coding-DNA position 226, C replaced by A.
Protein change: p.Arg76Ser; replaces arginine 76 with serine.
Molecular consequence: missense variant.
Genome position (GRCh38, 1-based): chr1:147,908,181, C>A. VCF-style: chr1-147908181-C-A. GRCh37 (hg19) VCF-style: chr1-147380308-C-A.
Other names: short protein forms R76S.
Identifiers: ClinVar variation 2637186 (VCV002637186.1), dbSNP rs1553242577, ClinGen allele CA342223599.